The following is an entry in ClinVar:

NM_000051.4(ATM):c.5564A>C (p.Asn1855Thr)

Gene: ATM (ATM serine/threonine kinase; plus strand). Cytogenetic location: 11q22.3.
Variant type: single nucleotide variant.
Coding change: c.5564A>C on transcript NM_000051.4 (MANE Select); coding-DNA position 5564, A replaced by C.
Protein change: p.Asn1855Thr; replaces asparagine 1855 with threonine.
Molecular consequence: missense variant.
Genome position (GRCh38, 1-based): chr11:108,304,742, A>C. VCF-style: chr11-108304742-A-C. GRCh37 (hg19) VCF-style: chr11-108175469-A-C.
Other names: c.5564A>C, p.Asn1855Thr (NM_001351834.2); short protein forms N1855T.
Identifiers: ClinVar variation 2714661 (VCV002714661.3), dbSNP rs1565481878, ClinGen allele CA382546045.

ClinVar aggregate classification (germline): Uncertain significance (1 of 4 stars; one submission).

Conditions:
Ataxia-telangiectasia syndrome (AT). Also called: AT, COMPLEMENTATION GROUP C; Ataxia telangiectasia (A-T); Ataxia-telangiectasia, complementation group D; Ataxia-telangiectasia, complementation group E; LOUIS-BAR SYNDROME; ATAXIA-TELANGIECTASIA, COMPLEMENTATION GROUP A. Identifiers: Orphanet 100, MedGen C0004135, MONDO:0008840, OMIM 208900.

Submission:

Labcorp Genetics (formerly Invitae), Labcorp
Classification: Uncertain significance for Ataxia-telangiectasia syndrome. Last evaluated: 2024-02-01. Review status: criteria provided, single submitter. Criteria: Invitae Variant Classification Sherloc (09022015). Collection method: clinical testing. Allele origin: germline.
Comment: This sequence change replaces asparagine, which is neutral and polar, with threonine, which is neutral and polar, at codon 1855 of the ATM protein (p.Asn1855Thr). This variant is not present in population databases (gnomAD no frequency). This variant has not been reported in the literature in individuals affected with ATM-related conditions. An algorithm developed to predict the effect of missense changes on protein structure and function (PolyPhen-2) suggests that this variant is likely to be tolerated. In summary, the available evidence is currently insufficient to determine the role of this variant in disease. Therefore, it has been classified as a Variant of Uncertain Significance.